The following is an entry in ClinVar:

NM_024656.4(COLGALT1):c.463C>G (p.Arg155Gly)

Gene: COLGALT1 (collagen beta(1-O)galactosyltransferase 1; plus strand). Cytogenetic location: 19p13.11.
Variant type: single nucleotide variant.
Coding change: c.463C>G on transcript NM_024656.4 (MANE Select); coding-DNA position 463, C replaced by G.
Protein change: p.Arg155Gly; replaces arginine 155 with glycine.
Molecular consequence: missense variant.
Genome position (GRCh38, 1-based): chr19:17,560,439, C>G. VCF-style: chr19-17560439-C-G. GRCh37 (hg19) VCF-style: chr19-17671248-C-G.
Other names: c.463C>G (NM_024656.3); short protein forms R155G.
Identifiers: ClinVar variation 2046588 (VCV002046588.6), dbSNP rs142311552, ClinGen allele CA9296908.
Genomic context (GRCh38, chr19:17,560,439, plus strand): 5'-TGGTCTGACTCACGCTACGAGCATGTCATGAAGTTGCGCCAGGCAGCCCTGAAATCAGCT[C>G]GAGACATGTGGGCTGATTACATCCTGGTAAGTTTCTCAGCCGGCCGGATATGGATCACAG-3'
Protein context (NP_078932.2, residues 145-165): KLRQAALKSA[Arg155Gly]DMWADYILFV

ClinVar aggregate classification (germline): Likely benign. Review status: criteria provided, multiple submitters, no conflicts (2 of 4 stars). 3 submissions from 3 submitters: Likely benign (3). Last evaluated 2026-09-08.

Conditions:
COLGALT1-related disorder. Also called: COLGALT1-related condition.
Inborn genetic diseases. Identifiers: MedGen C0950123, MeSH D030342.

Allele frequency attached by ClinVar (database versions not stated): gnomAD 0.00041; 1000 Genomes Project 30x 0.00047; 1000 Genomes Project 0.00060; ESP Exome Variant Server 0.00069; ExAC 0.00084.
gnomAD v4.1: 944 of 1,614,108 alleles (0.058%); highest among the groups gnomAD compares: Middle Eastern, 0.3%; 2 homozygotes.

Submissions (3):

PreventionGenetics, part of Exact Sciences
Classification: Likely benign for COLGALT1-related condition. Last evaluated: 2026-09-08. Review status: criteria provided, single submitter. Criteria: ACMG Guidelines, 2015. Collection method: clinical testing. Allele origin: germline.
Comment: This variant is classified as likely benign based on ACMG/AMP sequence variant interpretation guidelines (Richards et al. 2015 PMID: 25741868, with internal and published modifications).

Labcorp Genetics (formerly Invitae), Labcorp
Classification: Likely benign. Last evaluated: 2025-10-28. Review status: criteria provided, single submitter. Criteria: Invitae Variant Classification Sherloc (09022015). Collection method: clinical testing. Allele origin: germline.

Ambry Genetics
Classification: Likely benign for Inborn genetic diseases. Last evaluated: 2022-06-15. Review status: criteria provided, single submitter. Criteria: Ambry Variant Classification Scheme 2023. Collection method: clinical testing. Allele origin: germline.

Literature cited by the submitters: PubMed 33077954 (cited by Ambry Genetics).